The following is an entry in ClinVar:

ClinVar aggregate classification (germline): Uncertain significance (1 of 4 stars; one submission).

Submission:

Women's Health and Genetics/Laboratory Corporation of America, LabCorp
Classification: Uncertain significance. Last evaluated: 2022-07-26. Review status: criteria provided, single submitter. Criteria: LabCorp Variant Classification Summary - May 2015. Collection method: clinical testing. Allele origin: germline.
Comment: Variant summary: The variant identified by MLPA or other technology involves the deletion of exons 20-23 that includes the last exon, and extends beyond the gene. A presumed nomenclature of c.(2837+1_2838-1)_(*1213_?)del has been designated for the purposes of this classification. Although exact breakpoints of this deletion are not known, it is not expected to cause nonsense mediated decay (NMD), but is predicted to cause a truncation of the encoded protein (removing amino acids ~946-1129), and likely replacing it with an incorrect sequence. The variant was absent in 21694 control chromosomes (gnomAD database, structural variants dataset). To our knowledge, no occurrence of c.(2837+1_2838-1)_(*1213_?)del in individuals affected with Hermansky-Pudlak Syndrome and no experimental evidence demonstrating its impact on protein function have been reported. One clinical diagnostic laboratory has submitted clinical-significance assessments for this variant to ClinVar after 2014 without evidence for independent evaluation, and classified the variant as uncertain significance. Based on the evidence outlined above, the variant was classified as uncertain significance.

NC_000011.9:g.(?_18300216)_(18307007_18308137)del

Gene: HPS5 (HPS5 biogenesis of lysosomal organelles complex 2 subunit 2; minus strand). Cytogenetic location: 11p15.1.
Variant type: Deletion.
Identifiers: ClinVar variation 1704627 (VCV001704627.1).